The following is an entry in ClinVar:

NM_000282.4(PCCA):c.891_892del (p.Lys298fs)

Gene: PCCA (propionyl-CoA carboxylase subunit alpha; plus strand). Cytogenetic location: 13q32.3.
Variant type: Deletion.
Coding change: c.891_892del on transcript NM_000282.4 (MANE Select); coding-DNA positions 891 to 892, 2 bases deleted (GA; older notation c.891_892delGA).
Protein change: p.Lys298fs; shifts the reading frame from lysine 298.
Molecular consequence: frameshift variant. On other transcripts: 5 prime UTR variant (3), non-coding transcript variant (5).
Genome position (GRCh38, 1-based): chr13:100,268,760-100,268,761, GA deleted; deleting any 2 consecutive bases within chr13:100,268,759-100,268,761 gives the same sequence; the c. name uses the placement nearest the transcript's 3' end. VCF-style (leftmost placement, unchanged base first): chr13-100268758-CAG-C. GRCh37 (hg19) VCF-style: chr13-100921012-CAG-C.
Other names: c.813_814del, p.Lys272fs (NM_001127692.3, NM_001352607.2, NM_001352608.2); c.891_892del, p.Lys298fs (NM_001178004.2, NM_001352605.2, NM_001352606.2 and 1 more transcripts); c.-55_-54del (NM_001352610.2, NM_001352611.2, NM_001352612.2); short protein forms K272fs, K298fs.
Identifiers: ClinVar variation 2723944 (VCV002723944.3), dbSNP rs1207559307, ClinGen allele CA611997765.

ClinVar aggregate classification (germline): Pathogenic (1 of 4 stars; one submission).

Conditions:
Propionic acidemia (PROP). Also called: GLYCINEMIA, KETOTIC; HYPERGLYCINEMIA WITH KETOACIDOSIS AND LEUKOPENIA; KETOTIC HYPERGLYCINEMIA. Identifiers: Orphanet 35, MedGen C0268579, MONDO:0011628, OMIM 606054, HP:0003571.

Submission:

Labcorp Genetics (formerly Invitae), Labcorp
Classification: Pathogenic for Propionic acidemia. Last evaluated: 2023-06-22. Review status: criteria provided, single submitter. Criteria: Invitae Variant Classification Sherloc (09022015). Collection method: clinical testing. Allele origin: germline.
Comment: This sequence change creates a premature translational stop signal (p.Lys298Glyfs*44) in the PCCA gene. It is expected to result in an absent or disrupted protein product. Loss-of-function variants in PCCA are known to be pathogenic (PMID: 15464417). This variant is present in population databases (no rsID available, gnomAD 0.006%). This variant has not been reported in the literature in individuals affected with PCCA-related conditions. For these reasons, this variant has been classified as Pathogenic.

Literature cited by the submitters: PubMed 15464417.